The following is an entry in ClinVar:

ClinVar aggregate classification (germline): Uncertain significance (1 of 4 stars; one submission).

gnomAD v4.1: 20 of 1,614,008 alleles (0.0012%); highest among the groups gnomAD compares: South Asian, 0.011%; no homozygotes.

Submission:

Labcorp Genetics (formerly Invitae), Labcorp
Classification: Uncertain significance. Last evaluated: 2025-10-27. Review status: criteria provided, single submitter. Criteria: Invitae Variant Classification Sherloc (09022015). Collection method: clinical testing. Allele origin: germline.
Comment: This sequence change replaces arginine, which is basic and polar, with histidine, which is basic and polar, at codon 479 of the ADAMTS18 protein (p.Arg479His). This variant is present in population databases (rs759290262, gnomAD 0.01%). This variant has not been reported in the literature in individuals affected with ADAMTS18-related conditions. An algorithm developed to predict the effect of missense changes on protein structure and function (PolyPhen-2) suggests that this variant is likely to be disruptive. In summary, the available evidence is currently insufficient to determine the role of this variant in disease. Therefore, it has been classified as a Variant of Uncertain Significance.

NM_199355.4(ADAMTS18):c.1436G>A (p.Arg479His)

Gene: ADAMTS18 (ADAM metallopeptidase with thrombospondin type 1 motif 18; minus strand). Cytogenetic location: 16q23.1.
Variant type: single nucleotide variant.
Coding change: c.1436G>A on transcript NM_199355.4 (MANE Select); coding-DNA position 1436, G replaced by A.
Protein change: p.Arg479His; replaces arginine 479 with histidine.
Molecular consequence: missense variant.
Genome position (GRCh38, 1-based): chr16:77,355,964, C>T on the plus strand (G>A on the coding strand, the complement: ADAMTS18 is on the minus strand). VCF-style: chr16-77355964-C-T. GRCh37 (hg19) VCF-style: chr16-77389861-C-T.
Other names: c.920G>A, p.Arg307His (NM_001326358.2); short protein forms R307H, R479H.
Identifiers: ClinVar variation 4805522 (VCV004805522.1).